The following is an entry in ClinVar:

NM_003327.4(TNFRSF4):c.614G>C (p.Arg205Pro)

Gene: TNFRSF4 (TNF receptor superfamily member 4; minus strand). Cytogenetic location: 1p36.33.
Variant type: single nucleotide variant.
Coding change: c.614G>C on transcript NM_003327.4 (MANE Select); coding-DNA position 614, G replaced by C.
Protein change: p.Arg205Pro; replaces arginine 205 with proline.
Molecular consequence: missense variant.
Genome position (GRCh38, 1-based): chr1:1,211,962, C>G on the plus strand (G>C on the coding strand, the complement: TNFRSF4 is on the minus strand). VCF-style: chr1-1211962-C-G. GRCh37 (hg19) VCF-style: chr1-1147342-C-G.
Other names: short protein forms R205P.
Identifiers: ClinVar variation 854797 (VCV000854797.9), dbSNP rs749385408, ClinGen allele CA512409.
Genomic context (GRCh38, chr1:1,211,962, plus strand): 5'-CGGGTTGGGGGCCCCGCTGGGCTGGGCCAGGCGCCCTTACCCCCGGGGACCTCCACGGGC[C>G]GGGTGGAGGGTCCCTGTGAGGTTCTGGGCCAGGCTTCAGTGGGCTGGACAGTGATGGGCC-3'
Protein context (NP_003318.1, residues 195-215): WPRTSQGPST[Arg205Pro]PVEVPGGRAV

ClinVar aggregate classification (germline): Conflicting classifications of pathogenicity. Review status: criteria provided, conflicting classifications (1 of 4 stars). 2 submissions from 2 submitters: Uncertain significance (1); Likely benign (1). Last evaluated 2026-01-25.

Conditions:
Combined immunodeficiency due to OX40 deficiency. Also called: OX40 DEFICIENCY; Immunodeficiency 16. Identifiers: Orphanet 431149, MedGen C3810053, MONDO:0014268, OMIM 615593.

Allele frequency attached by ClinVar (database versions not stated): TOPMed 0.00012.
gnomAD v4.1: 174 of 1,583,482 alleles (0.011%); highest among the groups gnomAD compares: Non-Finnish European, 0.015%; no homozygotes.

Submissions (2):

Labcorp Genetics (formerly Invitae), Labcorp
Classification: Uncertain significance for Combined immunodeficiency due to OX40 deficiency. Last evaluated: 2026-01-25. Review status: criteria provided, single submitter. Criteria: Invitae Variant Classification Sherloc (09022015). Collection method: clinical testing. Allele origin: germline.
Comment: This sequence change replaces arginine, which is basic and polar, with proline, which is neutral and non-polar, at codon 205 of the TNFRSF4 protein (p.Arg205Pro). This variant is present in population databases (rs749385408, gnomAD 0.01%). This variant has not been reported in the literature in individuals affected with TNFRSF4-related conditions. ClinVar contains an entry for this variant (Variation ID: 854797). An algorithm developed to predict the effect of missense changes on protein structure and function outputs the following: PolyPhen-2: "Benign". The proline amino acid residue is found in multiple mammalian species, which suggests that this missense change does not adversely affect protein function. In summary, the available evidence is currently insufficient to determine the role of this variant in disease. Therefore, it has been classified as a Variant of Uncertain Significance.

Ambry Genetics
Classification: Likely benign. Last evaluated: 2024-08-27. Review status: criteria provided, single submitter. Criteria: Ambry Variant Classification Scheme 2023. Collection method: clinical testing. Allele origin: germline.